The following is an entry in ClinVar:

NM_014314.4(RIGI):c.1857AGA[1] (p.Glu621del)

Gene: RIGI (RNA sensor RIG-I; minus strand). Cytogenetic location: 9p21.1.
Variant type: Microsatellite.
Coding change: c.1857AGA[1] on transcript NM_014314.4 (MANE Select); one copy of the 3-base unit AGA starting at c.1857; the reference has two copies in a row; one copy, 3 bases deleted.
Protein change: p.Glu621del; deletes glutamic acid 621.
Molecular consequence: inframe deletion.
Genome position (GRCh38, 1-based): chr9:32,477,044-32,477,046, TCT deleted on the plus strand (AGA on the coding strand, the reverse complement: RIGI is on the minus strand); deleting any 3 consecutive bases within chr9:32,477,044-32,477,050 gives the same sequence; the position shown is the placement nearest the transcript's 3' end. VCF-style (leftmost placement, unchanged base first): chr9-32477043-CTCT-C. GRCh37 (hg19) VCF-style: chr9-32477041-CTCT-C.
Other names: c.1851AGA[1], p.Glu619del (NM_001385907.1); c.1857AGA[1], p.Glu621del (NM_001385909.1); c.1416AGA[1], p.Glu474del (NM_001385910.1); c.1248AGA[1], p.Glu418del (NM_001385912.1); c.1842AGA[1], p.Glu616del (NM_001385913.1); c.1413AGA[1], p.Glu473del (NM_001385914.1); short protein forms E418del, E473del, E474del, E616del, E619del, E621del.
Identifiers: ClinVar variation 3004716 (VCV003004716.3), dbSNP rs2489310945, ClinGen allele CA2689682099.

ClinVar aggregate classification (germline): Uncertain significance (1 of 4 stars; one submission).

Submission:

Labcorp Genetics (formerly Invitae), Labcorp
Classification: Uncertain significance. Last evaluated: 2022-11-13. Review status: criteria provided, single submitter. Criteria: Invitae Variant Classification Sherloc (09022015). Collection method: clinical testing. Allele origin: germline.
Comment: Experimental studies and prediction algorithms are not available or were not evaluated, and the functional significance of this variant is currently unknown. This variant, c.1860_1862del, results in the deletion of 1 amino acid(s) of the DDX58 protein (p.Glu621del), but otherwise preserves the integrity of the reading frame. This variant is not present in population databases (gnomAD no frequency). This variant has not been reported in the literature in individuals affected with DDX58-related conditions. In summary, the available evidence is currently insufficient to determine the role of this variant in disease. Therefore, it has been classified as a Variant of Uncertain Significance.